The following is an entry in ClinVar:

NM_001084.5(PLOD3):c.191A>G (p.Tyr64Cys)

Gene: PLOD3 (procollagen-lysine,2-oxoglutarate 5-dioxygenase 3; minus strand). Cytogenetic location: 7q22.1.
Variant type: single nucleotide variant.
Coding change: c.191A>G on transcript NM_001084.5 (MANE Select); coding-DNA position 191, A replaced by G.
Protein change: p.Tyr64Cys; replaces tyrosine 64 with cysteine.
Molecular consequence: missense variant.
Genome position (GRCh38, 1-based): chr7:101,216,705, T>C on the plus strand (A>G on the coding strand, the complement: PLOD3 is on the minus strand). VCF-style: chr7-101216705-T-C. GRCh37 (hg19) VCF-style: chr7-100859986-T-C.
Other names: short protein forms Y64C.
Identifiers: ClinVar variation 3678830 (VCV003678830.2).
Genomic context (GRCh38, chr7:101,216,705, plus strand): 5'-CCCACCCCTCCTGCTGGGACCCCCTCCCAGGGGCCTTTCCCTCTCCTCACCCGCACAGTG[T>C]AGTTGAAGAACTCCGCAGAGCGCAGGAAACGCAGGTACCCCTCGGTTTCAGCTGTGGCCA-3'
Protein context (NP_001075.1, residues 54-74): RFLRSAEFFN[Tyr64Cys]TVRTLGLGEE

ClinVar aggregate classification (germline): Uncertain significance (1 of 4 stars; one submission).

Submission:

Labcorp Genetics (formerly Invitae), Labcorp
Classification: Uncertain significance. Last evaluated: 2024-12-16. Review status: criteria provided, single submitter. Criteria: Invitae Variant Classification Sherloc (09022015). Collection method: clinical testing. Allele origin: germline.
Comment: This sequence change replaces tyrosine, which is neutral and polar, with cysteine, which is neutral and slightly polar, at codon 64 of the PLOD3 protein (p.Tyr64Cys). This variant is present in population databases (rs775172245, gnomAD 0.0009%). This variant has not been reported in the literature in individuals affected with PLOD3-related conditions. An algorithm developed to predict the effect of missense changes on protein structure and function (PolyPhen-2) suggests that this variant is likely to be disruptive. In summary, the available evidence is currently insufficient to determine the role of this variant in disease. Therefore, it has been classified as a Variant of Uncertain Significance.